The following is an entry in ClinVar:

ClinVar aggregate classification (germline): Likely pathogenic (1 of 4 stars; one submission).

Conditions:
Cardiovascular phenotype. Identifiers: MedGen CN230736.

Submission:

Ambry Genetics
Classification: Likely pathogenic for Cardiovascular phenotype. Last evaluated: 2023-03-10. Review status: criteria provided, single submitter. Criteria: Ambry Variant Classification Scheme 2023. Collection method: clinical testing. Allele origin: germline.
Comment: The c.18628_18653del26 variant, located in coding exon 74 of the TTN gene, results from a deletion of 26 nucleotides at nucleotide positions 18628 to 18653, causing a translational frameshift with a predicted alternate stop codon (p.A6210Sfs*4). This exon is located in the I-band region of the N2-B isoform of the titin protein and is constitutively expressed in TTN transcripts (percent spliced in or PSI 100%). This variant is considered to be rare based on population cohorts in the Genome Aggregation Database (gnomAD). This alteration is expected to result in loss of function by premature protein truncation or nonsense-mediated mRNA decay. While truncating variants in TTN are present in 1-3% of the general population, truncating variants in the A-band are the most common cause of dilated cardiomyopathy (DCM) (Herman DS et al. N. Engl. J. Med., 2012 Feb;366:619-28; Roberts AM et al. Sci Transl Med, 2015 Jan;7:270ra6). TTN truncating variants encoded in constitutive exons (PSI >90%) have been found to be significantly associated with DCM regardless of their position in titin (Schafer S et al. Nat. Genet., 2017 01;49:46-53). Based on the majority of available evidence to date, this variant is likely to be pathogenic.

NM_001267550.2(TTN):c.45823_45848del (p.Ala15275fs)

Gene: TTN (titin; minus strand). Cytogenetic location: 2q31.2.
Variant type: Deletion.
Coding change: c.45823_45848del on transcript NM_001267550.2 (MANE Select); coding-DNA positions 45823 to 45848, 26 bases deleted (GCCAACTATAATGTGTCTTTGACCAA).
Protein change: p.Ala15275fs; shifts the reading frame from alanine 15275.
Molecular consequence: frameshift variant.
Genome position (GRCh38, 1-based): chr2:178,620,762-178,620,787, TTGGTCAAAGACACATTATAGTTGGC deleted on the plus strand (GCCAACTATAATGTGTCTTTGACCAA on the coding strand, the reverse complement: TTN is on the minus strand); deleting any 26 consecutive bases within chr2:178,620,762-178,620,794 gives the same sequence; the c. name uses the placement nearest the transcript's 3' end. VCF-style (leftmost placement, unchanged base first): chr2-178620761-ATTGGTCAAAGACACATTATAGTTGGC-A. GRCh37 (hg19) VCF-style: chr2-179485488-ATTGGTCAAAGACACATTATAGTTGGC-A.
Other names: c.40900_40925del, p.Ala13634fs (NM_001256850.1); c.18628_18653del, p.Ala6210fs (NM_003319.4); c.38119_38144del, p.Ala12707fs (NM_133378.4); c.19003_19028del, p.Ala6335fs (NM_133432.3); c.19204_19229del, p.Ala6402fs (NM_133437.4); c.18628_18653del26 (NM_003319.4); short protein forms A13634fs, A6402fs, A6210fs, A12707fs, A6335fs, A15275fs.
Identifiers: ClinVar variation 2451947 (VCV002451947.2), dbSNP rs2471017401, ClinGen allele CA2580065027.